The following is an entry in ClinVar:

ClinVar aggregate classification (germline): Uncertain significance (1 of 4 stars; one submission).

Submission:

CeGaT Center for Human Genetics Tuebingen
Classification: Uncertain significance. Last evaluated: 2025-11-01. Review status: criteria provided, single submitter. Criteria: CeGaT Center For Human Genetics Tuebingen Variant Classification Criteria Version 2. Collection method: clinical testing. Allele origin: germline. Affected: yes. Observed: 1 variant allele.
Comment: DENND5B: PM2

NM_144973.4(DENND5B):c.3802C>T (p.Leu1268Phe)

Gene: DENND5B (DENN domain containing 5B; minus strand). Cytogenetic location: 12p11.21.
Variant type: single nucleotide variant.
Coding change: c.3802C>T on transcript NM_144973.4 (MANE Select); coding-DNA position 3802, C replaced by T.
Protein change: p.Leu1268Phe; replaces leucine 1268 with phenylalanine.
Molecular consequence: missense variant.
Genome position (GRCh38, 1-based): chr12:31,387,626, G>A on the plus strand (C>T on the coding strand, the complement: DENND5B is on the minus strand). VCF-style: chr12-31387626-G-A. GRCh37 (hg19) VCF-style: chr12-31540560-G-A.
Other names: c.3907C>T, p.Leu1303Phe (NM_001308339.2); short protein forms L1268F, L1303F.
Identifiers: ClinVar variation 4534712 (VCV004534712.6).